The following is an entry in ClinVar:

NM_033380.3(COL4A5):c.1032+4A>G

Gene: COL4A5 (collagen type IV alpha 5 chain; plus strand). Cytogenetic location: Xq22.3.
Variant type: single nucleotide variant.
Coding change: c.1032+4A>G on transcript NM_033380.3 (MANE Select); 4 bases into the intron after coding-DNA position 1032, A replaced by G.
Molecular consequence: intron variant.
Genome position (GRCh38, 1-based): chrX:108,584,529, A>G. VCF-style: chrX-108584529-A-G. GRCh37 (hg19) VCF-style: chrX-107827759-A-G.
Other names: c.1032+4A>G (NM_000495.5).
Identifiers: ClinVar variation 2616665 (VCV002616665.2), dbSNP rs2524260201, ClinGen allele CA2582342929.

ClinVar aggregate classification (germline): Uncertain significance (1 of 4 stars; one submission).

Conditions:
Inborn genetic diseases. Identifiers: MedGen C0950123, MeSH D030342.

Submission:

Ambry Genetics
Classification: Uncertain significance for Inborn genetic diseases. Last evaluated: 2023-08-08. Review status: criteria provided, single submitter. Criteria: Ambry Variant Classification Scheme 2023. Collection method: clinical testing. Allele origin: germline.
Comment: The c.1032+4A>G intronic alteration consists of a A to G substitution nucleotides after coding exon 18 in the COL4A5 gene. Based on insufficient or conflicting evidence, the clinical significance of this alteration remains unclear.